The following is an entry in ClinVar:

ClinVar aggregate classification (germline): Pathogenic (1 of 4 stars; one submission).

Submission:

Labcorp Genetics (formerly Invitae), Labcorp
Classification: Pathogenic. Last evaluated: 2022-05-10. Review status: criteria provided, single submitter. Criteria: Invitae Variant Classification Sherloc (09022015). Collection method: clinical testing. Allele origin: germline.
Comment: For these reasons, this variant has been classified as Pathogenic. This premature translational stop signal has been observed in individuals with hereditary angioedema (PMID: 21934598, 22831796). This variant is not present in population databases (gnomAD no frequency). This sequence change creates a premature translational stop signal (p.Lys329Serfs*12) in the SERPING1 gene. It is expected to result in an absent or disrupted protein product. Loss-of-function variants in SERPING1 are known to be pathogenic (PMID: 11112899, 24456027).

Literature cited by the submitters: PubMed 21934598; PubMed 22831796; PubMed 11112899; PubMed 24456027.

NM_000062.3(SERPING1):c.986del (p.Lys329fs)

Gene: SERPING1 (serpin family G member 1; plus strand). Cytogenetic location: 11q12.1.
Variant type: Deletion.
Coding change: c.986del on transcript NM_000062.3 (MANE Select); coding-DNA position 986, one base deleted (A; older notation c.986delA).
Protein change: p.Lys329fs; shifts the reading frame from lysine 329.
Molecular consequence: frameshift variant.
Genome position (GRCh38, 1-based): chr11:57,606,504, A deleted; the last of 2 consecutive A bases (chr11:57,606,503-57,606,504); deleting either gives the same sequence. VCF-style (leftmost placement, unchanged base first): chr11-57606502-GA-G. GRCh37 (hg19) VCF-style: chr11-57373975-GA-G.
Other names: c.986del, p.Lys329fs (NM_001032295.2); short protein forms K329fs.
Identifiers: ClinVar variation 2120055 (VCV002120055.4), dbSNP rs2495442501, ClinGen allele CA2580084329.
Genomic context (GRCh38, chr11:57,606,502, plus strand): 5'-CAGAATGGAACCCTTTCACTTCAAAAACTCAGTTATAAAAGTGCCCATGATGAATAGCAA[GA>G]AGTACCCTGTGGCCCATTTCATTGACCAAACTTTGAAAGCCAAGGTAAGTTCTTAACCTT-3'